The following is an entry in ClinVar:

ClinVar aggregate classification (germline): Conflicting classifications of pathogenicity. Review status: criteria provided, conflicting classifications (1 of 4 stars). 5 submissions from 5 submitters: Uncertain significance (1); Likely benign (4). Last evaluated 2024-09-10.

Allele frequency attached by ClinVar (database versions not stated): ExAC 0.00018; ESP Exome Variant Server 0.00023; gnomAD 0.00029; TOPMed 0.00030.
gnomAD v4.1: 604 of 1,613,142 alleles (0.037%); highest among the groups gnomAD compares: Non-Finnish European, 0.046%; no homozygotes.

Submissions (5):

Blueprint Genetics
Classification: Likely benign. Last evaluated: 2024-09-10. Review status: criteria provided, single submitter. Criteria: ACMG Guidelines, 2015. Collection method: clinical testing. Allele origin: germline.

Labcorp Genetics (formerly Invitae), Labcorp
Classification: Likely benign. Last evaluated: 2024-04-03. Review status: criteria provided, single submitter. Criteria: Invitae Variant Classification Sherloc (09022015). Collection method: clinical testing. Allele origin: germline.

ARUP Laboratories, Molecular Genetics and Genomics, ARUP Laboratories
Classification: Likely benign. Last evaluated: 2023-05-09. Review status: criteria provided, single submitter. Criteria: ARUP Molecular Germline Variant Investigation Process 2024. Collection method: clinical testing. Allele origin: germline.

CeGaT Center for Human Genetics Tuebingen
Classification: Likely benign. Last evaluated: 2023-04-01. Review status: criteria provided, single submitter. Criteria: CeGaT Center For Human Genetics Tuebingen Variant Classification Criteria Version 2. Collection method: clinical testing. Allele origin: germline. Affected: yes. Observed: 1 variant allele.
Comment: HSPG2: BP4, BP7

Revvity Omics, Revvity
Classification: Uncertain significance. Last evaluated: 2019-08-30. Review status: criteria provided, single submitter. Criteria: ACMG Guidelines, 2015. Collection method: clinical testing. Allele origin: germline.

NM_005529.7(HSPG2):c.11983T>C (p.Leu3995=)

Gene: HSPG2 (heparan sulfate proteoglycan 2; minus strand). Cytogenetic location: 1p36.12.
Variant type: single nucleotide variant.
Coding change: c.11983T>C on transcript NM_005529.7 (MANE Select); coding-DNA position 11983, T replaced by C.
Protein change: p.Leu3995=; no amino-acid change (leucine 3995 retained).
Molecular consequence: synonymous variant.
Genome position (GRCh38, 1-based): chr1:21,829,392, A>G on the plus strand (T>C on the coding strand, the complement: HSPG2 is on the minus strand). VCF-style: chr1-21829392-A-G. GRCh37 (hg19) VCF-style: chr1-22155885-A-G.
Other names: c.11986T>C, p.Leu3996= (NM_001291860.2).
Identifiers: ClinVar variation 2068712 (VCV002068712.33), dbSNP rs141435008, ClinGen allele CA669561.